The following is an entry in ClinVar:

NM_012064.4(MIP):c.319G>A (p.Val107Ile)

Gene: MIP (major intrinsic protein of lens fiber; minus strand). Cytogenetic location: 12q13.3.
Variant type: single nucleotide variant.
Coding change: c.319G>A on transcript NM_012064.4 (MANE Select); coding-DNA position 319, G replaced by A.
Protein change: p.Val107Ile; replaces valine 107 with isoleucine.
Molecular consequence: missense variant.
Genome position (GRCh38, 1-based): chr12:56,454,295, C>T on the plus strand (G>A on the coding strand, the complement: MIP is on the minus strand). VCF-style: chr12-56454295-C-T. GRCh37 (hg19) VCF-style: chr12-56848079-C-T.
Other names: short protein forms V107I.
Identifiers: ClinVar variation 260169 (VCV000260169.18), dbSNP rs74641138, ClinGen allele CA6632632.

ClinVar aggregate classification (germline): Benign/Likely benign. Review status: criteria provided, multiple submitters, no conflicts (2 of 4 stars). 6 submissions from 6 submitters: Benign (4); Likely benign (2). Last evaluated 2026-01-19.

Conditions:
Cataract 15 multiple types. Also called: CATARACT 15, LAMELLAR WITH SUTURAL OPACITIES. Identifiers: Orphanet 91492, MedGen C3809001, MONDO:0014110, OMIM 615274.

Allele frequency attached by ClinVar (database versions not stated): TOPMed 0.01710; ESP Exome Variant Server 0.01899; gnomAD 0.01986 and 0.02063; 1000 Genomes Project 30x 0.02108; 1000 Genomes Project 0.02196; gnomAD exomes 0.02440 and 0.02729; ExAC 0.02530.
gnomAD v4.1: 42,952 of 1,614,060 alleles (2.7%); highest among the groups gnomAD compares: East Asian, 5.3%; 682 homozygotes.

Submissions (6):

Labcorp Genetics (formerly Invitae), Labcorp
Classification: Benign for Cataract 15 multiple types. Last evaluated: 2026-01-19. Review status: criteria provided, single submitter. Criteria: Invitae Variant Classification Sherloc (09022015). Collection method: clinical testing. Allele origin: germline.

Blueprint Genetics
Classification: Benign. Last evaluated: 2024-11-27. Review status: criteria provided, single submitter. Criteria: ACMG Guidelines, 2015. Collection method: clinical testing. Allele origin: germline.

GeneDx
Classification: Benign. Last evaluated: 2019-02-12. Review status: criteria provided, single submitter. Criteria: GeneDx Variant Classification Process June 2021. Collection method: clinical testing. Allele origin: germline. Affected: yes.
Comment: This variant is associated with the following publications: (PMID: 21850180, 21647270, 19182255, 21921980, 20361015, 27456987, 24319327)

Illumina Laboratory Services, Illumina
Classification: Likely benign for Cataract 15 multiple types. Last evaluated: 2017-04-27. Review status: criteria provided, single submitter. Criteria: ICSL Variant Classification Criteria 13 December 2019. Collection method: clinical testing. Allele origin: germline.
Comment: This variant was observed as part of a predisposition screen in an ostensibly healthy population. A literature search was performed for the gene, cDNA change, and amino acid change (where applicable). Publications were found based on this search. The evidence from the literature, in combination with allele frequency data from public databases where available, was sufficient to determine this variant is unlikely to cause disease. Therefore, this variant is classified as likely benign.

Breakthrough Genomics
Classification: Likely benign. Review status: criteria provided, single submitter. Criteria: ACMG Guidelines, 2015. Collection method: not provided. Allele origin: germline. Inheritance: Autosomal dominant inheritance. Affected: yes.

PreventionGenetics, part of Exact Sciences
Classification: Benign. Review status: criteria provided, single submitter. Criteria: ACMG Guidelines, 2015. Collection method: clinical testing. Allele origin: germline.

Literature cited by the submitters: PubMed 21921980 (cited by Illumina Laboratory Services, Illumina); PubMed 20361015 (cited by Illumina Laboratory Services, Illumina).